The following is an entry in ClinVar:

ClinVar aggregate classification (germline): Pathogenic (1 of 4 stars; one submission).

Allele frequency attached by ClinVar (database versions not stated): gnomAD exomes below 0.00001.
gnomAD v4.1: 3 of 1,598,402 alleles (0.00019%); highest among the groups gnomAD compares: South Asian, 0.0011%; no homozygotes.

Submission:

Labcorp Genetics (formerly Invitae), Labcorp
Classification: Pathogenic. Last evaluated: 2022-08-16. Review status: criteria provided, single submitter. Criteria: Invitae Variant Classification Sherloc (09022015). Collection method: clinical testing. Allele origin: germline.
Comment: This variant is present in population databases (no rsID available, gnomAD 0.01%). For these reasons, this variant has been classified as Pathogenic. This variant has not been reported in the literature in individuals affected with SZT2-related conditions. This sequence change creates a premature translational stop signal (p.Arg455*) in the SZT2 gene. It is expected to result in an absent or disrupted protein product. Loss-of-function variants in SZT2 are known to be pathogenic (PMID: 23932106, 27248490, 28556953).

Literature cited by the submitters: PubMed 23932106; PubMed 27248490; PubMed 28556953.

NM_001365999.1(SZT2):c.1363C>T (p.Arg455Ter)

Gene: SZT2 (SZT2 subunit of KICSTOR complex; plus strand). Cytogenetic location: 1p34.2.
Variant type: single nucleotide variant.
Coding change: c.1363C>T on transcript NM_001365999.1 (MANE Select); coding-DNA position 1363, C replaced by T.
Protein change: p.Arg455Ter; replaces arginine 455 with a stop codon.
Molecular consequence: nonsense.
Genome position (GRCh38, 1-based): chr1:43,420,850, C>T. VCF-style: chr1-43420850-C-T. GRCh37 (hg19) VCF-style: chr1-43886521-C-T.
Other names: c.1363C>T, p.Arg455Ter (NM_015284.4); short protein forms R455*.
Identifiers: ClinVar variation 2180625 (VCV002180625.4), dbSNP rs1215221860, ClinGen allele CA340007426.